The following is an entry in ClinVar:

ClinVar aggregate classification (germline): Uncertain significance (1 of 4 stars; one submission).

Conditions:
Hereditary cancer-predisposing syndrome. Also called: Neoplastic Syndromes, Hereditary; Tumor predisposition; Hereditary Cancer Syndrome; Hereditary neoplastic syndrome. Identifiers: Orphanet 140162, MedGen C0027672, MeSH D009386, MONDO:0015356.

Submission:

Ambry Genetics
Classification: Uncertain significance for Hereditary cancer-predisposing syndrome. Last evaluated: 2025-12-09. Review status: criteria provided, single submitter. Criteria: Ambry Variant Classification Scheme 2023. Collection method: clinical testing. Allele origin: germline.
Comment: The p.G539V variant (also known as c.1616G>T), located in coding exon 4 of the MET gene, results from a G to T substitution at nucleotide position 1616. The glycine at codon 539 is replaced by valine, an amino acid with dissimilar properties. This amino acid position is conserved. In addition, the in silico prediction for this alteration is inconclusive. Based on the available evidence, the clinical significance of this variant remains unclear.

NM_000245.4(MET):c.1616G>T (p.Gly539Val)

Gene: MET (MET proto-oncogene, receptor tyrosine kinase; plus strand). Cytogenetic location: 7q31.2.
Variant type: single nucleotide variant.
Coding change: c.1616G>T on transcript NM_000245.4 (MANE Select); coding-DNA position 1616, G replaced by T.
Protein change: p.Gly539Val; replaces glycine 539 with valine.
Molecular consequence: missense variant.
Genome position (GRCh38, 1-based): chr7:116,740,940, G>T. VCF-style: chr7-116740940-G-T. GRCh37 (hg19) VCF-style: chr7-116380994-G-T.
Other names: c.1616G>T, p.Gly539Val (NM_001127500.3, NM_001324401.3); c.326G>T, p.Gly109Val (NM_001324402.2); short protein forms G109V, G539V.
Identifiers: ClinVar variation 4648334 (VCV004648334.1).